The following is an entry in ClinVar:

ClinVar aggregate classification (germline): Uncertain significance (1 of 4 stars; one submission).

Conditions:
Cardiovascular phenotype. Identifiers: MedGen CN230736.

Submission:

Ambry Genetics
Classification: Uncertain significance for Cardiovascular phenotype. Last evaluated: 2020-09-02. Review status: criteria provided, single submitter. Criteria: Ambry Variant Classification Scheme 2023. Collection method: clinical testing. Allele origin: germline.
Comment: The p.F130C variant (also known as c.389T>G), located in coding exon 3 of the TBX20 gene, results from a T to G substitution at nucleotide position 389. The phenylalanine at codon 130 is replaced by cysteine, an amino acid with highly dissimilar properties. This amino acid position is highly conserved in available vertebrate species. In addition, this alteration is predicted to be deleterious by in silico analysis. Since supporting evidence is limited at this time, the clinical significance of this alteration remains unclear.

NM_001077653.2(TBX20):c.389T>G (p.Phe130Cys)

Gene: TBX20 (T-box transcription factor 20; minus strand). Cytogenetic location: 7p14.2.
Variant type: single nucleotide variant.
Coding change: c.389T>G on transcript NM_001077653.2 (MANE Select); coding-DNA position 389, T replaced by G.
Protein change: p.Phe130Cys; replaces phenylalanine 130 with cysteine.
Molecular consequence: missense variant.
Genome position (GRCh38, 1-based): chr7:35,248,833, A>C on the plus strand (T>G on the coding strand, the complement: TBX20 is on the minus strand). VCF-style: chr7-35248833-A-C. GRCh37 (hg19) VCF-style: chr7-35288445-A-C.
Other names: c.389T>G, p.Phe130Cys (NM_001166220.1); short protein forms F130C.
Identifiers: ClinVar variation 1735988 (VCV001735988.2), dbSNP rs2546996540, ClinGen allele CA367264845.